The following is an entry in ClinVar:

NM_020778.5(ALPK3):c.3287C>G (p.Ser1096Cys)

Gene: ALPK3 (alpha kinase 3; plus strand). Cytogenetic location: 15q25.3.
Variant type: single nucleotide variant.
Coding change: c.3287C>G on transcript NM_020778.5 (MANE Select); coding-DNA position 3287, C replaced by G.
Protein change: p.Ser1096Cys; replaces serine 1096 with cysteine.
Molecular consequence: missense variant.
Genome position (GRCh38, 1-based): chr15:84,858,025, C>G. VCF-style: chr15-84858025-C-G. GRCh37 (hg19) VCF-style: chr15-85401256-C-G.
Other names: short protein forms S1096C.
Identifiers: ClinVar variation 1735915 (VCV001735915.5), dbSNP rs1181749037, ClinGen allele CA393359972.

ClinVar aggregate classification (germline): Uncertain significance. Review status: criteria provided, multiple submitters, no conflicts (2 of 4 stars). 2 submissions from 2 submitters: Uncertain significance (2). Last evaluated 2025-10-19.

Conditions:
Cardiovascular phenotype. Identifiers: MedGen CN230736.

Allele frequency attached by ClinVar (database versions not stated): gnomAD 0.00002; TOPMed 0.00002.
gnomAD v4.1: 4 of 1,580,982 alleles (0.00025%); highest among the groups gnomAD compares: African/African-American, 0.0041%; no homozygotes.

Submissions (2):

Labcorp Genetics (formerly Invitae), Labcorp
Classification: Uncertain significance. Last evaluated: 2025-10-19. Review status: criteria provided, single submitter. Criteria: Invitae Variant Classification Sherloc (09022015). Collection method: clinical testing. Allele origin: germline.
Comment: This sequence change replaces serine, which is neutral and polar, with cysteine, which is neutral and slightly polar, at codon 1298 of the ALPK3 protein (p.Ser1298Cys). This variant is not present in population databases (gnomAD no frequency). This variant has not been reported in the literature in individuals affected with ALPK3-related conditions. ClinVar contains an entry for this variant (Variation ID: 1735915). Invitae Evidence Modeling of protein sequence and biophysical properties (such as structural, functional, and spatial information, amino acid conservation, physicochemical variation, residue mobility, and thermodynamic stability) indicates that this missense variant is not expected to disrupt ALPK3 protein function with a negative predictive value of 80%. In summary, the available evidence is currently insufficient to determine the role of this variant in disease. Therefore, it has been classified as a Variant of Uncertain Significance.

Ambry Genetics
Classification: Uncertain significance for Cardiovascular phenotype. Last evaluated: 2022-09-13. Review status: criteria provided, single submitter. Criteria: Ambry Variant Classification Scheme 2023. Collection method: clinical testing. Allele origin: germline.
Comment: The p.S1298C variant (also known as c.3893C>G), located in coding exon 6 of the ALPK3 gene, results from a C to G substitution at nucleotide position 3893. The serine at codon 1298 is replaced by cysteine, an amino acid with dissimilar properties. This amino acid position is conserved. In addition, this alteration is predicted to be tolerated by in silico analysis. Since supporting evidence is limited at this time, the clinical significance of this alteration remains unclear.